The following is an entry in ClinVar:

NM_001372044.2(SHANK3):c.3941C>T (p.Pro1314Leu)

Gene: SHANK3 (SH3 and multiple ankyrin repeat domains 3; plus strand). Cytogenetic location: 22q13.33.
Variant type: single nucleotide variant.
Coding change: c.3941C>T on transcript NM_001372044.2 (MANE Select); coding-DNA position 3941, C replaced by T.
Protein change: p.Pro1314Leu; replaces proline 1314 with leucine.
Molecular consequence: missense variant.
Genome position (GRCh38, 1-based): chr22:50,721,549, C>T. VCF-style: chr22-50721549-C-T. GRCh37 (hg19) VCF-style: chr22-51159977-C-T.
Other names: c.3716C>T (NM_033517.1); short protein forms P1314L.
Identifiers: ClinVar variation 1188772 (VCV001188772.28), dbSNP rs753314270, ClinGen allele CA10326116.
Genomic context (GRCh38, chr22:50,721,549, plus strand): 5'-AGGAGCCCAGCAGGCTGGGGGGGGCCGAAGAGGAGCGCCCGGGCACCCCGGAGTTGGCCC[C>T]GGCCCCCATGCAGTCAGCGGCTGTGGCAGAGCCCCTGCCCAGCCCCCGGGCCCAGCCCCC-3'
Protein context (NP_001358973.1, residues 1304-1324): EERPGTPELA[Pro1314Leu]APMQSAAVAE

ClinVar aggregate classification (germline): Likely benign. Review status: criteria provided, multiple submitters, no conflicts (2 of 4 stars). 3 submissions from 3 submitters: Likely benign (3). Last evaluated 2023-01-01.

Conditions:
Inborn genetic diseases. Identifiers: MedGen C0950123, MeSH D030342.

Allele frequency attached by ClinVar (database versions not stated): TOPMed 0.00007; ExAC 0.00019.

Submissions (3):

CeGaT Center for Human Genetics Tuebingen
Classification: Likely benign. Last evaluated: 2023-01-01. Review status: criteria provided, single submitter. Criteria: CeGaT Center For Human Genetics Tuebingen Variant Classification Criteria Version 2. Collection method: clinical testing. Allele origin: germline. Affected: yes. Observed: 1 variant allele.
Comment: SHANK3: PP2, BS2

GeneDx
Classification: Likely benign. Last evaluated: 2020-12-09. Review status: criteria provided, single submitter. Criteria: GeneDx Variant Classification Process June 2021. Collection method: clinical testing. Allele origin: germline. Affected: yes.

Ambry Genetics
Classification: Likely benign for Inborn genetic diseases. Last evaluated: 2019-05-12. Review status: criteria provided, single submitter. Criteria: Ambry Variant Classification Scheme 2023. Collection method: clinical testing. Allele origin: germline.